The following is an entry in ClinVar:

NM_002691.4(POLD1):c.2488G>T (p.Glu830Ter)

Gene: POLD1 (DNA polymerase delta 1, catalytic subunit; plus strand). Cytogenetic location: 19q13.33.
Variant type: single nucleotide variant.
Coding change: c.2488G>T on transcript NM_002691.4 (MANE Select); coding-DNA position 2488, G replaced by T.
Protein change: p.Glu830Ter; replaces glutamic acid 830 with a stop codon.
Molecular consequence: nonsense. On other transcripts: non-coding transcript variant (1).
Genome position (GRCh38, 1-based): chr19:50,414,914, G>T. VCF-style: chr19-50414914-G-T. GRCh37 (hg19) VCF-style: chr19-50918171-G-T.
Other names: c.2488G>T, p.Glu830Ter (NM_001256849.1); c.2566G>T, p.Glu856Ter (NM_001308632.1); short protein forms E830*, E856*.
Identifiers: ClinVar variation 1792020 (VCV001792020.2), dbSNP rs2514048423, ClinGen allele CA406985103.
Genomic context (GRCh38, chr19:50,414,914, plus strand): 5'-GCGGGCCTGCTCTTCTCCTCCCGGCCCGACGCCCACGACCGCATGGACTGCAAGGGCCTG[G>T]AGGCCGTGCGCAGGGACAACTGCCCCCTCGTGGCCAACCTGGTCACTGCCTCACTGCGCC-3'

ClinVar aggregate classification (germline): Uncertain significance (1 of 4 stars; one submission).

Conditions:
Hereditary cancer-predisposing syndrome. Also called: Hereditary Cancer Syndrome; Hereditary neoplastic syndrome; Tumor predisposition; Neoplastic Syndromes, Hereditary. Identifiers: Orphanet 140162, MedGen C0027672, MeSH D009386, MONDO:0015356.

Allele frequency attached by ClinVar (database versions not stated): gnomAD exomes below 0.00001.
gnomAD v4.1: 2 of 1,610,506 alleles (0.00012%); highest among the groups gnomAD compares: Non-Finnish European, 0.00017%; no homozygotes.

Submission:

Ambry Genetics
Classification: Uncertain significance for Hereditary cancer-predisposing syndrome. Last evaluated: 2020-03-24. Review status: criteria provided, single submitter. Criteria: Ambry Variant Classification Scheme 2023. Collection method: clinical testing. Allele origin: germline.
Comment: The p.E830* variant (also known as c.2488G>T), located in coding exon 19 of the POLD1 gene, results from a G to T substitution at nucleotide position 2488. This changes the amino acid from a glutamic acid to a stop codon within coding exon 19. This amino acid position is highly conserved in available vertebrate species. This alteration is expected to result in premature protein truncation or nonsense-mediated mRNA decay. However, loss of function of POLD1 has not been clearly established as a mechanism of disease. Since supporting evidence is limited at this time, the clinical significance of this alteration remains unclear.